The following is an entry in ClinVar:

NM_022552.5(DNMT3A):c.19A>G (p.Ser7Gly)

Gene: DNMT3A (DNA methyltransferase 3 alpha; minus strand). Cytogenetic location: 2p23.3.
Variant type: single nucleotide variant.
Coding change: c.19A>G on transcript NM_022552.5 (MANE Select); coding-DNA position 19, A replaced by G.
Protein change: p.Ser7Gly; replaces serine 7 with glycine.
Molecular consequence: missense variant. On other transcripts: non-coding transcript variant (1).
Genome position (GRCh38, 1-based): chr2:25,313,966, T>C on the plus strand (A>G on the coding strand, the complement: DNMT3A is on the minus strand). VCF-style: chr2-25313966-T-C. GRCh37 (hg19) VCF-style: chr2-25536835-T-C.
Other names: c.19A>G, p.Ser7Gly (NM_001320892.2, NM_175629.2, NM_175630.1); short protein forms S7G.
Identifiers: ClinVar variation 1961782 (VCV001961782.5), dbSNP rs770554124, ClinGen allele CA1556576.

ClinVar aggregate classification (germline): Uncertain significance (1 of 4 stars; one submission).

Conditions:
Tatton-Brown-Rahman overgrowth syndrome. Also called: Tall stature-intellectual disability-facial dysmorphism syndrome; Tatton-Brown-Rahman syndrome. Identifiers: Orphanet 404443, MedGen C4014545, MONDO:0014382, OMIM 615879.

Allele frequency attached by ClinVar (database versions not stated): gnomAD 0.00001; gnomAD exomes 0.00001; TOPMed 0.00001; ExAC 0.00007.
gnomAD v4.1: 10 of 1,548,048 alleles (0.00065%); highest among the groups gnomAD compares: South Asian, 0.0024%; no homozygotes.

Submission:

Labcorp Genetics (formerly Invitae), Labcorp
Classification: Uncertain significance for Tatton-Brown-Rahman overgrowth syndrome. Last evaluated: 2026-01-26. Review status: criteria provided, single submitter. Criteria: Invitae Variant Classification Sherloc (09022015). Collection method: clinical testing. Allele origin: germline.
Comment: This sequence change replaces serine, which is neutral and polar, with glycine, which is neutral and non-polar, at codon 7 of the DNMT3A protein (p.Ser7Gly). The frequency data for this variant in the population databases is considered unreliable, as metrics indicate poor data quality at this position in the gnomAD database. This variant has not been reported in the literature in individuals affected with DNMT3A-related conditions. ClinVar contains an entry for this variant (Variation ID: 1961782). Invitae Evidence Modeling of protein sequence and biophysical properties (such as structural, functional, and spatial information, amino acid conservation, physicochemical variation, residue mobility, and thermodynamic stability) indicates that this missense variant is not expected to disrupt DNMT3A protein function with a negative predictive value of 95%. In summary, the available evidence is currently insufficient to determine the role of this variant in disease. Therefore, it has been classified as a Variant of Uncertain Significance.